The following is an entry in ClinVar:

ClinVar aggregate classification (germline): Uncertain significance (1 of 4 stars; one submission).

Conditions:
Costello syndrome (CSTLO). Also called: FACIOCUTANEOSKELETAL SYNDROME; FCS SYNDROME; HRAS-Related Costello Syndrome. Identifiers: Orphanet 3071, MedGen C0587248, MONDO:0009026, OMIM 218040.

Submission:

Labcorp Genetics (formerly Invitae), Labcorp
Classification: Uncertain significance for Costello syndrome. Last evaluated: 2025-04-22. Review status: criteria provided, single submitter. Criteria: Invitae Variant Classification Sherloc (09022015). Collection method: clinical testing. Allele origin: germline.
Comment: This sequence change creates a premature translational stop signal (p.Thr35Leufs*2) in the HRAS gene. It is expected to result in an absent or disrupted protein product. However, the current clinical and genetic evidence is not sufficient to establish whether loss-of-function variants in HRAS cause disease. This variant is not present in population databases (gnomAD no frequency). This premature translational stop signal has been observed in individual(s) with atrial septal defect (PMID: 28512736). In summary, the available evidence is currently insufficient to determine the role of this variant in disease. Therefore, it has been classified as a Variant of Uncertain Significance.

Literature cited by the submitters: PubMed 28512736.

NM_005343.4(HRAS):c.102del (p.Thr35fs)

Genes: HRAS (HRas proto-oncogene, GTPase; minus strand), LRRC56 (leucine rich repeat containing 56; plus strand). Cytogenetic location: 11p15.5.
Variant type: Deletion.
Coding change: c.102del on transcript NM_005343.4 (MANE Select); coding-DNA position 102, one base deleted (C; older notation c.102delC).
Protein change: p.Thr35fs; shifts the reading frame from threonine 35.
Molecular consequence: frameshift variant. On other transcripts: 5 prime UTR variant (1), intron variant (2).
Genome position (GRCh38, 1-based): chr11:534,221, G deleted on the plus strand (C on the coding strand, the reverse complement: HRAS is on the minus strand); the first of 4 consecutive G bases (chr11:534,221-534,224); deleting any one gives the same sequence. VCF-style (leftmost placement, unchanged base first): chr11-534220-TG-T. GRCh37 (hg19) VCF-style: chr11-534220-TG-T.
Other names: c.102del, p.Thr35fs (NM_001130442.3, NM_176795.5); c.-218del (NM_001318054.2); c.-161-5356del (NM_001441284.1, NM_001441286.1); short protein forms T35fs.
Identifiers: ClinVar variation 4737610 (VCV004737610.1).